The following is an entry in ClinVar:

NM_000123.4(ERCC5):c.962T>G (p.Val321Gly)

Genes: BIVM-ERCC5 (BIVM-ERCC5 readthrough; plus strand), ERCC5 (ERCC excision repair 5, endonuclease; plus strand). Cytogenetic location: 13q33.1.
Variant type: single nucleotide variant.
Coding change: c.962T>G on transcript NM_000123.4 (MANE Select); coding-DNA position 962, T replaced by G.
Protein change: p.Val321Gly; replaces valine 321 with glycine.
Molecular consequence: missense variant.
Genome position (GRCh38, 1-based): chr13:102,862,111, T>G. VCF-style: chr13-102862111-T-G. GRCh37 (hg19) VCF-style: chr13-103514461-T-G.
Other names: c.2324T>G, p.Val775Gly (NM_001204425.2); short protein forms V775G, V321G.
Identifiers: ClinVar variation 4990748 (VCV004990748.1).
Genomic context (GRCh38, chr13:102,862,111, plus strand): 5'-CAGAAGTGGATTCAGAGTCTCTTCCTTCTTCCAGCAAAATGCACGGCATGTCTTTTGACG[T>G]GAAGTCATCTCCATGTGAAAAACTGAAGACAGAGAAAGAGCCTGATGCTACCCCTCCTTC-3'
Protein context (NP_000114.3, residues 311-331): SSKMHGMSFD[Val321Gly]KSSPCEKLKT

ClinVar aggregate classification (germline): Uncertain significance (1 of 4 stars; one submission).

Conditions:
ERCC5-related disorder. Also called: ERCC5-related condition.

gnomAD v4.1: 81 of 1,614,070 alleles (0.005%); highest among the groups gnomAD compares: Non-Finnish European, 0.0065%; no homozygotes.

Submission:

PreventionGenetics, part of Exact Sciences
Classification: Uncertain significance for ERCC5-related condition. Last evaluated: 2025-10-03. Review status: criteria provided, single submitter. Criteria: ACMG Guidelines, 2015. Collection method: clinical testing. Allele origin: germline.
Comment: The ERCC5 c.962T>G variant is predicted to result in the amino acid substitution p.Val321Gly. To our knowledge, this variant has not been reported in the literature. This variant is reported in 0.0062% of alleles in individuals of European (Non-Finnish) descent in gnomAD. At the time of reporting this variant is absent in ClinVar. At this time, the clinical significance of this variant is uncertain due to the absence of conclusive functional and genetic evidence.